The following is an entry in ClinVar:

NM_058004.4(PI4KA):c.5559C>T (p.Asp1853=)

Gene: PI4KA (phosphatidylinositol 4-kinase alpha; minus strand). Cytogenetic location: 22q11.21.
Variant type: single nucleotide variant.
Coding change: c.5559C>T on transcript NM_058004.4 (MANE Select); coding-DNA position 5559, C replaced by T.
Protein change: p.Asp1853=; no amino-acid change (aspartic acid 1853 retained).
Molecular consequence: synonymous variant.
Genome position (GRCh38, 1-based): chr22:20,713,293, G>A on the plus strand (C>T on the coding strand, the complement: PI4KA is on the minus strand). VCF-style: chr22-20713293-G-A. GRCh37 (hg19) VCF-style: chr22-21067581-G-A.
Other names: c.5466C>T, p.Asp1822= (NM_001362862.2); c.5493C>T, p.Asp1831= (NM_001362863.2).
Identifiers: ClinVar variation 3905317 (VCV003905317.11).

ClinVar aggregate classification (germline): Likely benign. Review status: criteria provided, multiple submitters, no conflicts (2 of 4 stars). 2 submissions from 2 submitters: Likely benign (2). Last evaluated 2025-05-01.

gnomAD v4.1: 175 of 1,585,546 alleles (0.011%); highest among the groups gnomAD compares: Middle Eastern, 0.035%; no homozygotes.

Submissions (2):

CeGaT Center for Human Genetics Tuebingen
Classification: Likely benign. Last evaluated: 2025-05-01. Review status: criteria provided, single submitter. Criteria: CeGaT Center For Human Genetics Tuebingen Variant Classification Criteria Version 2. Collection method: clinical testing. Allele origin: germline. Affected: yes. Observed: 1 variant allele.
Comment: PI4KA: BP4, BP7

Blueprint Genetics
Classification: Likely benign. Last evaluated: 2021-06-03. Review status: criteria provided, single submitter. Criteria: ACMG Guidelines, 2015. Collection method: clinical testing. Allele origin: germline.